The following is an entry in ClinVar:

ClinVar aggregate classification (germline): Uncertain significance (1 of 4 stars; one submission).

Submission:

CeGaT Center for Human Genetics Tuebingen
Classification: Uncertain significance. Last evaluated: 2026-04-01. Review status: criteria provided, single submitter. Criteria: CeGaT Center For Human Genetics Tuebingen Variant Classification Criteria Version 2. Collection method: clinical testing. Allele origin: germline. Affected: yes. Observed: 1 variant allele.
Comment: PIGP: PM2, BP4

NM_153682.3(PIGP):c.156-4G>A

Gene: PIGP (phosphatidylinositol glycan anchor biosynthesis class P; minus strand). Cytogenetic location: 21q22.13.
Variant type: single nucleotide variant.
Coding change: c.156-4G>A on transcript NM_153682.3 (MANE Select); 4 bases into the intron before coding-DNA position 156, G replaced by A.
Molecular consequence: intron variant.
Genome position (GRCh38, 1-based): chr21:37,067,384, C>T on the plus strand (G>A on the coding strand, the complement: PIGP is on the minus strand). VCF-style: chr21-37067384-C-T. GRCh37 (hg19) VCF-style: chr21-38439684-C-T.
Other names: c.228-4G>A (NM_153681.2); c.78-4G>A (NM_016430.4); c.156-4G>A (NM_001320480.2).
Identifiers: ClinVar variation 4874697 (VCV004874697.2).